The following is an entry in ClinVar:

ClinVar aggregate classification (germline): Likely benign (0 of 4 stars; one submission).

Conditions:
CELSR3-related disorder. Also called: CELSR3-related condition.

gnomAD v4.1: 88 of 1,591,986 alleles (0.0055%); highest among the groups gnomAD compares: Non-Finnish European, 0.0075%; no homozygotes.

Submission:

PreventionGenetics, part of Exact Sciences
Classification: Likely benign for CELSR3-related condition. Last evaluated: 2024-09-05. Review status: no assertion criteria provided. Collection method: clinical testing. Allele origin: germline.
Comment: This variant is classified as likely benign based on ACMG/AMP sequence variant interpretation guidelines (Richards et al. 2015 PMID: 25741868, with internal and published modifications).

NM_001407.3(CELSR3):c.7464-9T>C

Gene: CELSR3 (cadherin EGF LAG seven-pass G-type receptor 3; minus strand). Cytogenetic location: 3p21.31.
Variant type: single nucleotide variant.
Coding change: c.7464-9T>C on transcript NM_001407.3 (MANE Select); 9 bases into the intron before coding-DNA position 7464, T replaced by C.
Molecular consequence: intron variant.
Genome position (GRCh38, 1-based): chr3:48,645,877, A>G on the plus strand (T>C on the coding strand, the complement: CELSR3 is on the minus strand). VCF-style: chr3-48645877-A-G. GRCh37 (hg19) VCF-style: chr3-48683310-A-G.
Identifiers: ClinVar variation 3355253 (VCV003355253.1).
Genomic context (GRCh38, chr3:48,645,877, plus strand): 5'-CCTGTGCACCAGCTCGCAGTCCCGTGCTGTCCACACACCATGCTGCTCCGCCCTGCAGCC[A>G]CAGGGCAGTTAGACACAACTGTGACCCAGTGTCAGGCAGGGGTTTGTGAGAGATCATGGG-3'